The following is an entry in ClinVar:

NM_012210.4(TRIM32):c.1689C>T (p.Arg563=)

Genes: ASTN2 (astrotactin 2; minus strand), TRIM32 (tripartite motif containing 32; plus strand). Cytogenetic location: 9q33.1.
Variant type: single nucleotide variant.
Coding change: c.1689C>T on transcript NM_012210.4 (MANE Select); coding-DNA position 1689, C replaced by T.
Protein change: p.Arg563=; no amino-acid change (arginine 563 retained).
Molecular consequence: synonymous variant. On other transcripts: intron variant (3).
Genome position (GRCh38, 1-based): chr9:116,699,431, C>T. VCF-style: chr9-116699431-C-T. GRCh37 (hg19) VCF-style: chr9-119461710-C-T.
Other names: c.2653+26340G>A (NM_014010.5); c.2794+26340G>A (NM_001365069.1); c.2806+26340G>A (NM_001365068.1); c.1689C>T, p.Arg563= (NM_001099679.2, NM_001379048.1, NM_001379049.1 and 1 more transcripts).
Identifiers: ClinVar variation 2168139 (VCV002168139.5), dbSNP rs2491069126, ClinGen allele CA466916708.

ClinVar aggregate classification (germline): Likely benign. Review status: criteria provided, single submitter (1 of 4 stars). 2 submissions from 2 submitters: Likely benign (1). 1 of the submissions does not count toward it. Last evaluated 2023-10-03.

Conditions:
TRIM32-related disorder. Also called: TRIM32-related condition.
Bardet-Biedl syndrome (BBS). Identifiers: Orphanet 110, MedGen C0752166, MONDO:0015229.

Submissions (2):

Labcorp Genetics (formerly Invitae), Labcorp
Classification: Likely benign for Bardet-Biedl syndrome. Last evaluated: 2023-10-03. Review status: criteria provided, single submitter. Criteria: Invitae Variant Classification Sherloc (09022015). Collection method: clinical testing. Allele origin: germline.

PreventionGenetics, part of Exact Sciences
Classification: Likely benign for TRIM32-related condition. Last evaluated: 2022-08-09. Review status: no assertion criteria provided. Collection method: clinical testing. Allele origin: germline. Not counted in ClinVar's aggregate classification.
Comment: This variant is classified as likely benign based on ACMG/AMP sequence variant interpretation guidelines (Richards et al. 2015 PMID: 25741868, with internal and published modifications).